The following is an entry in ClinVar:

NM_003128.3(SPTBN1):c.1146G>T (p.Met382Ile)

Gene: SPTBN1 (spectrin beta, non-erythrocytic 1; plus strand). Cytogenetic location: 2p16.2.
Variant type: single nucleotide variant.
Coding change: c.1146G>T on transcript NM_003128.3 (MANE Select); coding-DNA position 1146, G replaced by T.
Protein change: p.Met382Ile; replaces methionine 382 with isoleucine.
Molecular consequence: missense variant.
Genome position (GRCh38, 1-based): chr2:54,623,560, G>T. VCF-style: chr2-54623560-G-T. GRCh37 (hg19) VCF-style: chr2-54850697-G-T.
Other names: c.1107G>T, p.Met369Ile (NM_178313.3); short protein forms M369I, M382I.
Identifiers: ClinVar variation 2244720 (VCV002244720.3), dbSNP rs774587397, ClinGen allele CA1660326.
Genomic context (GRCh38, chr2:54,623,560, plus strand): 5'-GGAAGTGCTGCTCTTCACCATTCAGAGCAAGATGAGGGCCAACAACCAGAAGGTCTACAT[G>T]CCCCGGGAGGGGAAGCTCATCTCTGACATCAACAAGGTAAAGTGGATCTGGACTCTGCAT-3'
Protein context (NP_003119.2, residues 372-392): KMRANNQKVY[Met382Ile]PREGKLISDI

ClinVar aggregate classification (germline): Conflicting classifications of pathogenicity. Review status: criteria provided, conflicting classifications (1 of 4 stars). 2 submissions from 2 submitters: Uncertain significance (1); Likely benign (1). Last evaluated 2026-02-02.

Conditions:
SPTBN1-related disorder. Also called: SPTBN1-related condition.
Inborn genetic diseases. Identifiers: MedGen C0950123, MeSH D030342.

Allele frequency attached by ClinVar (database versions not stated): gnomAD exomes 0.00001; gnomAD 0.00003; TOPMed 0.00003.
gnomAD v4.1: 18 of 1,614,052 alleles (0.0011%); highest among the groups gnomAD compares: Admixed American, 0.028%; no homozygotes.

Submissions (2):

PreventionGenetics, part of Exact Sciences
Classification: Likely benign for SPTBN1-related condition. Last evaluated: 2026-02-02. Review status: criteria provided, single submitter. Criteria: ACMG Guidelines, 2015. Collection method: clinical testing. Allele origin: germline.
Comment: This variant is classified as likely benign based on ACMG/AMP sequence variant interpretation guidelines (Richards et al. 2015 PMID: 25741868, with internal and published modifications).

Ambry Genetics
Classification: Uncertain significance for Inborn genetic diseases. Last evaluated: 2021-08-13. Review status: criteria provided, single submitter. Criteria: Ambry Variant Classification Scheme 2023. Collection method: clinical testing. Allele origin: germline.